The following is an entry in ClinVar:

ClinVar aggregate classification (germline): Pathogenic (1 of 4 stars; one submission).

Allele frequency attached by ClinVar (database versions not stated): gnomAD exomes below 0.00001.
gnomAD v4.1: 2 of 1,614,178 alleles (0.00012%); highest among the groups gnomAD compares: African/African-American, 0.0027%; no homozygotes.

Submission:

Labcorp Genetics (formerly Invitae), Labcorp
Classification: Pathogenic. Last evaluated: 2022-10-07. Review status: criteria provided, single submitter. Criteria: Invitae Variant Classification Sherloc (09022015). Collection method: clinical testing. Allele origin: germline.
Comment: For these reasons, this variant has been classified as Pathogenic. ClinVar contains an entry for this variant (Variation ID: 964041). This variant has not been reported in the literature in individuals affected with CNGB1-related conditions. This variant is not present in population databases (gnomAD no frequency). This sequence change creates a premature translational stop signal (p.Ser506*) in the CNGB1 gene. It is expected to result in an absent or disrupted protein product. Loss-of-function variants in CNGB1 are known to be pathogenic (PMID: 15557452, 24043777).

Literature cited by the submitters: PubMed 15557452; PubMed 24043777.

NM_001297.5(CNGB1):c.1517C>G (p.Ser506Ter)

Gene: CNGB1 (cyclic nucleotide gated channel subunit beta 1; minus strand). Cytogenetic location: 16q21.
Variant type: single nucleotide variant.
Coding change: c.1517C>G on transcript NM_001297.5 (MANE Select); coding-DNA position 1517, C replaced by G.
Protein change: p.Ser506Ter; replaces serine 506 with a stop codon.
Molecular consequence: nonsense.
Genome position (GRCh38, 1-based): chr16:57,931,734, G>C on the plus strand (C>G on the coding strand, the complement: CNGB1 is on the minus strand). VCF-style: chr16-57931734-G-C. GRCh37 (hg19) VCF-style: chr16-57965638-G-C.
Other names: c.1499C>G, p.Ser500Ter (NM_001286130.2); short protein forms S506*, S500*.
Identifiers: ClinVar variation 964041 (VCV000964041.7), dbSNP rs1961354332, ClinGen allele CA396070324.